The following is an entry in ClinVar:

NM_000426.4(LAMA2):c.1048del (p.Ala350fs)

Gene: LAMA2 (laminin subunit alpha 2; plus strand). Cytogenetic location: 6q22.33.
Variant type: Deletion.
Coding change: c.1048del on transcript NM_000426.4 (MANE Select); coding-DNA position 1048, one base deleted (G; older notation c.1048delG).
Protein change: p.Ala350fs; shifts the reading frame from alanine 350.
Molecular consequence: frameshift variant.
Genome position (GRCh38, 1-based): chr6:129,154,525, G deleted. VCF-style (leftmost placement, unchanged base first): chr6-129154524-AG-A. GRCh37 (hg19) VCF-style: chr6-129475669-AG-A.
Other names: c.1048del, p.Ala350fs (NM_001079823.2); short protein forms A350fs.
Identifiers: ClinVar variation 5014796 (VCV005014796.1).

ClinVar aggregate classification (germline): Pathogenic (1 of 4 stars; one submission).

Conditions:
LAMA2-related muscular dystrophy (LAMA2-RD). Also called: Laminin alpha 2-related dystrophy. Identifiers: MedGen C5679788, MONDO:0100228.

Submission:

Myriad Genetics, Inc.
Classification: Pathogenic for LAMA2-related muscular dystrophy. Last evaluated: 2025-07-31. Review status: criteria provided, single submitter. Criteria: Myriad Autosomal Dominant, Autosomal Recessive and X-Linked Classification Criteria (2023). Collection method: clinical testing. Allele origin: unknown.
Comment: NM_000426.3(LAMA2):c.1048delG(A350Lfs*15) is expected to be pathogenic in the context of muscular dystrophy, LAMA2-related. This variant is predicted to lead to an abnormal or absent protein product due to the creation of a premature termination codon in LAMA2, a gene where loss-of-function variants are known to be pathogenic. Please note: this variant was assessed in the context of healthy population screening.